The following is an entry in ClinVar:

ClinVar aggregate classification (germline): Conflicting classifications of pathogenicity. Review status: criteria provided, conflicting classifications (1 of 4 stars). 3 submissions from 3 submitters: Uncertain significance (1); Benign (1). 1 of the submissions does not count toward it. Last evaluated 2024-03-18.

Conditions:
TJP2-related disorder. Also called: TJP2-related condition.

Allele frequency attached by ClinVar (database versions not stated): gnomAD exomes 0.00004 and 0.00014; ExAC 0.00018; TOPMed 0.00040; gnomAD 0.00052; ESP Exome Variant Server 0.00069; 1000 Genomes Project 0.00080.
gnomAD v4.1: 134 of 1,613,782 alleles (0.0083%); highest among the groups gnomAD compares: African/African-American, 0.16%; no homozygotes.

Submissions (3):

Labcorp Genetics (formerly Invitae), Labcorp
Classification: Benign. Last evaluated: 2024-03-18. Review status: criteria provided, single submitter. Criteria: Invitae Variant Classification Sherloc (09022015). Collection method: clinical testing. Allele origin: germline.

Eurofins Ntd Llc (ga)
Classification: Uncertain significance. Last evaluated: 2018-01-09. Review status: criteria provided, single submitter. Criteria: EGL Classification Definitions 2015. Collection method: clinical testing. Allele origin: germline. Observed: 1 variant allele, 1 heterozygote.

PreventionGenetics, part of Exact Sciences
Classification: Likely benign for TJP2-related condition. Last evaluated: 2019-08-09. Review status: no assertion criteria provided. Collection method: clinical testing. Allele origin: germline. Not counted in ClinVar's aggregate classification.
Comment: This variant is classified as likely benign based on ACMG/AMP sequence variant interpretation guidelines (Richards et al. 2015 PMID: 25741868, with internal and published modifications).

NM_004817.4(TJP2):c.981C>A (p.Ile327=)

Gene: TJP2 (tight junction protein 2; plus strand). Cytogenetic location: 9q21.11.
Variant type: single nucleotide variant.
Coding change: c.981C>A on transcript NM_004817.4 (MANE Select); coding-DNA position 981, C replaced by A.
Protein change: p.Ile327=; no amino-acid change (isoleucine 327 retained).
Molecular consequence: synonymous variant.
Genome position (GRCh38, 1-based): chr9:69,225,332, C>A. VCF-style: chr9-69225332-C-A. GRCh37 (hg19) VCF-style: chr9-71840248-C-A.
Other names: c.912C>A, p.Ile304= (NM_001170414.2, NM_001369870.1, NM_001369871.1); c.993C>A, p.Ile331= (NM_001170415.1, NM_001369874.1, NM_001369875.1); c.1074C>A, p.Ile358= (NM_001170416.2); c.981C>A, p.Ile327= (NM_001369872.1, NM_001369873.1, NM_201629.3 and 1 more transcripts); c.981C>A (NM_004817.3).
Identifiers: ClinVar variation 595681 (VCV000595681.9), dbSNP rs147139671, ClinGen allele CA5073157.